The following is an entry in ClinVar:

ClinVar aggregate classification (germline): Uncertain significance (1 of 4 stars; one submission).

Conditions:
Deficiency of malonyl-CoA decarboxylase. Also called: Malonic aciduria; MCD deficiency. Identifiers: Orphanet 943, MedGen C0342793, MONDO:0009556, OMIM 248360.

Allele frequency attached by ClinVar (database versions not stated): ExAC 0.00002; gnomAD exomes 0.00002 and 0.00009; gnomAD 0.00003 and 0.00004; TOPMed 0.00006; ESP Exome Variant Server 0.00008.
gnomAD v4.1: 138 of 1,614,000 alleles (0.0086%); highest among the groups gnomAD compares: Non-Finnish European, 0.011%; no homozygotes.

Submission:

Labcorp Genetics (formerly Invitae), Labcorp
Classification: Uncertain significance for Deficiency of malonyl-CoA decarboxylase. Last evaluated: 2021-08-27. Review status: criteria provided, single submitter. Criteria: Invitae Variant Classification Sherloc (09022015). Collection method: clinical testing. Allele origin: germline.
Comment: This sequence change replaces threonine with alanine at codon 294 of the MLYCD protein (p.Thr294Ala). The threonine residue is highly conserved and there is a small physicochemical difference between threonine and alanine. This variant is present in population databases (rs200365808, ExAC 0.004%). This variant has not been reported in the literature in individuals affected with MLYCD-related conditions. Algorithms developed to predict the effect of missense changes on protein structure and function output the following: SIFT: "Deleterious"; PolyPhen-2: "Benign"; Align-GVGD: "Class C55". The alanine amino acid residue is found in multiple mammalian species, which suggests that this missense change does not adversely affect protein function. In summary, the available evidence is currently insufficient to determine the role of this variant in disease. Therefore, it has been classified as a Variant of Uncertain Significance.

NM_012213.3(MLYCD):c.880A>G (p.Thr294Ala)

Genes: MLYCD (malonyl-CoA decarboxylase; plus strand), LOC126862422 (CDK7 strongly-dependent group 2 enhancer GRCh37_chr16:83945234-83946433; plus strand). Cytogenetic location: 16q23.3.
Variant type: single nucleotide variant.
Coding change: c.880A>G on transcript NM_012213.3 (MANE Select); coding-DNA position 880, A replaced by G.
Protein change: p.Thr294Ala; replaces threonine 294 with alanine.
Molecular consequence: missense variant.
Genome position (GRCh38, 1-based): chr16:83,912,299, A>G. VCF-style: chr16-83912299-A-G. GRCh37 (hg19) VCF-style: chr16-83945904-A-G.
Other names: short protein forms T294A.
Identifiers: ClinVar variation 1054844 (VCV001054844.6), dbSNP rs200365808, ClinGen allele CA8197416.
Genomic context (GRCh38, chr16:83,912,299, plus strand): 5'-CCATCAGAAACAGAAGAGAAGAACAAAATCACTGCTGCGATCTTTTATTCCATCAGCTTG[A>G]CCCAGCAGGGACTCCAAGGGGTGGAGCTGGGAACATTCCTCATAAAGCGAGTCGTCAAGG-3'
Protein context (NP_036345.2, residues 284-304): TAAIFYSISL[Thr294Ala]QQGLQGVELG